The following is an entry in ClinVar:

ClinVar aggregate classification (germline): Uncertain significance. Review status: criteria provided, multiple submitters, no conflicts (2 of 4 stars). 4 submissions from 4 submitters: Uncertain significance (4). Last evaluated 2024-11-19.

Conditions:
Acrocallosal syndrome (ACLS). Also called: HALLUX DUPLICATION, POSTAXIAL POLYDACTYLY, AND ABSENCE OF CORPUS CALLOSUM; Schinzel syndrome 1; Absence of corpus callosum with unusual facial appearance, mental deficiency, duplication of the halluces and polydactyly. Identifiers: Orphanet 36, MedGen C0796147, MONDO:0008708, OMIM 200990.
Hydrolethalus syndrome 2 (HLS2). Identifiers: Orphanet 2189, MedGen C3279899, MONDO:0013585, OMIM 614120.
Multiple epiphyseal dysplasia, Al-Gazali type. Also called: Macrocephaly with multiple epiphyseal dysplasia and distinctive facies. Identifiers: Orphanet 166024, MedGen C1846722, MONDO:0011778, OMIM 607131.

Allele frequency attached by ClinVar (database versions not stated): 1000 Genomes Project 0.00020; ExAC 0.00021; gnomAD exomes 0.00021 and 0.00041; TOPMed 0.00023; gnomAD 0.00029; 1000 Genomes Project 30x 0.00031; ESP Exome Variant Server 0.00031.
gnomAD v4.1: 626 of 1,605,238 alleles (0.039%); highest among the groups gnomAD compares: Non-Finnish European, 0.048%; 1 homozygote.

Submissions (4):

Blueprint Genetics
Classification: Uncertain significance. Last evaluated: 2024-11-19. Review status: criteria provided, single submitter. Criteria: ACMG Guidelines, 2015. Collection method: clinical testing. Allele origin: germline.

Fulgent Genetics
Classification: Uncertain significance for Acrocallosal syndrome; Multiple epiphyseal dysplasia, Al-Gazali type; Hydrolethalus syndrome 2. Last evaluated: 2024-05-01. Review status: criteria provided, single submitter. Criteria: ACMG Guidelines, 2015. Collection method: clinical testing. Allele origin: germline.

Labcorp Genetics (formerly Invitae), Labcorp
Classification: Uncertain significance for Acrocallosal syndrome. Last evaluated: 2024-01-02. Review status: criteria provided, single submitter. Criteria: Invitae Variant Classification Sherloc (09022015). Collection method: clinical testing. Allele origin: germline.
Comment: This sequence change replaces arginine, which is basic and polar, with histidine, which is basic and polar, at codon 892 of the KIF7 protein (p.Arg892His). This variant is present in population databases (rs143866575, gnomAD 0.03%). This missense change has been observed in individual(s) with Joubert syndrome (PMID: 32164589). ClinVar contains an entry for this variant (Variation ID: 966031). Advanced modeling of protein sequence and biophysical properties (such as structural, functional, and spatial information, amino acid conservation, physicochemical variation, residue mobility, and thermodynamic stability) performed at Invitae indicates that this missense variant is not expected to disrupt KIF7 protein function with a negative predictive value of 80%. In summary, the available evidence is currently insufficient to determine the role of this variant in disease. Therefore, it has been classified as a Variant of Uncertain Significance.

ARUP Laboratories, Molecular Genetics and Genomics, ARUP Laboratories
Classification: Uncertain significance. Last evaluated: 2023-09-21. Review status: criteria provided, single submitter. Criteria: ARUP Molecular Germline Variant Investigation Process 2024. Collection method: clinical testing. Allele origin: germline.

Literature cited by the submitters: PubMed 32164589 (cited by Labcorp Genetics (formerly Invitae), Labcorp).

NM_198525.3(KIF7):c.2675G>A (p.Arg892His)

Gene: KIF7 (kinesin family member 7; minus strand). Cytogenetic location: 15q26.1.
Variant type: single nucleotide variant.
Coding change: c.2675G>A on transcript NM_198525.3 (MANE Select); coding-DNA position 2675, G replaced by A.
Protein change: p.Arg892His; replaces arginine 892 with histidine.
Molecular consequence: missense variant.
Genome position (GRCh38, 1-based): chr15:89,633,184, C>T on the plus strand (G>A on the coding strand, the complement: KIF7 is on the minus strand). VCF-style: chr15-89633184-C-T. GRCh37 (hg19) VCF-style: chr15-90176415-C-T.
Other names: short protein forms R892H.
Identifiers: ClinVar variation 966031 (VCV000966031.7), dbSNP rs143866575, ClinGen allele CA7728046.